The following is an entry in ClinVar:

ClinVar aggregate classification (germline): Uncertain significance. Review status: criteria provided, multiple submitters, no conflicts (2 of 4 stars). 4 submissions from 4 submitters: Uncertain significance (3). 1 of the submissions does not count toward it. Last evaluated 2024-08-26.

Conditions:
Hereditary cancer-predisposing syndrome. Also called: Hereditary Cancer Syndrome; Neoplastic Syndromes, Hereditary; Tumor predisposition; Hereditary neoplastic syndrome. Identifiers: Orphanet 140162, MedGen C0027672, MeSH D009386, MONDO:0015356.
Ataxia-telangiectasia syndrome (AT). Also called: Cerebello-oculocutaneous telangiectasia; Immunodeficiency with ataxia telangiectasia; Ataxia-telangiectasia, complementation group E; Ataxia-telangiectasia, complementation group D; AT, COMPLEMENTATION GROUP C; ATAXIA-TELANGIECTASIA, COMPLEMENTATION GROUP A. Identifiers: Orphanet 100, MedGen C0004135, MONDO:0008840, OMIM 208900.

Submissions (4):

Color Diagnostics, LLC DBA Color Health
Classification: Uncertain significance for Hereditary cancer-predisposing syndrome. Last evaluated: 2024-08-26. Review status: criteria provided, single submitter. Criteria: ACMG Guidelines, 2015. Collection method: clinical testing. Allele origin: germline.
Comment: This missense variant replaces lysine with glutamic acid at codon 2515 of the ATM protein. Computational prediction suggests that this variant may have deleterious impact on protein structure and function (internally defined REVEL score threshold >= 0.7, PMID: 27666373). To our knowledge, functional studies have not been reported for this variant. This variant has not been reported in individuals affected with ATM-related disorders in the literature. This variant has not been identified in the general population by the Genome Aggregation Database (gnomAD). The available evidence is insufficient to determine the role of this variant in disease conclusively. Therefore, this variant is classified as a Variant of Uncertain Significance.

Labcorp Genetics (formerly Invitae), Labcorp
Classification: Uncertain significance for Ataxia-telangiectasia syndrome. Last evaluated: 2024-04-01. Review status: criteria provided, single submitter. Criteria: Invitae Variant Classification Sherloc (09022015). Collection method: clinical testing. Allele origin: germline.
Comment: This sequence change replaces lysine, which is basic and polar, with glutamic acid, which is acidic and polar, at codon 2515 of the ATM protein (p.Lys2515Glu). This variant is not present in population databases (gnomAD no frequency). This variant has not been reported in the literature in individuals affected with ATM-related conditions. ClinVar contains an entry for this variant (Variation ID: 524235). An algorithm developed to predict the effect of missense changes on protein structure and function (PolyPhen-2) suggests that this variant is likely to be disruptive. In summary, the available evidence is currently insufficient to determine the role of this variant in disease. Therefore, it has been classified as a Variant of Uncertain Significance.

Ambry Genetics
Classification: Uncertain significance for Hereditary cancer-predisposing syndrome. Last evaluated: 2021-07-26. Review status: criteria provided, single submitter. Criteria: Ambry Variant Classification Scheme 2023. Collection method: clinical testing. Allele origin: germline.
Comment: The p.K2515E variant (also known as c.7543A>G), located in coding exon 50 of the ATM gene, results from an A to G substitution at nucleotide position 7543. The lysine at codon 2515 is replaced by glutamic acid, an amino acid with similar properties. This amino acid position is conserved. In addition, this alteration is predicted to be deleterious by in silico analysis. Since supporting evidence is limited at this time, the clinical significance of this alteration remains unclear.

Natera, Inc.
Classification: Uncertain significance for Ataxia-telangiectasia. Last evaluated: 2021-01-28. Review status: no assertion criteria provided. Collection method: clinical testing. Allele origin: germline. Not counted in ClinVar's aggregate classification.

NM_000051.4(ATM):c.7543A>G (p.Lys2515Glu)

Genes: ATM (ATM serine/threonine kinase; plus strand), C11orf65 (chromosome 11 open reading frame 65; minus strand). Cytogenetic location: 11q22.3.
Variant type: single nucleotide variant.
Coding change: c.7543A>G on transcript NM_000051.4 (MANE Select); coding-DNA position 7543, A replaced by G.
Protein change: p.Lys2515Glu; replaces lysine 2515 with glutamic acid.
Molecular consequence: missense variant. On other transcripts: non-coding transcript variant (1), intron variant (2).
Genome position (GRCh38, 1-based): chr11:108,331,471, A>G. VCF-style: chr11-108331471-A-G. GRCh37 (hg19) VCF-style: chr11-108202198-A-G.
Other names: c.7543A>G, p.Lys2515Glu (NM_001351834.2); c.641-22400T>C (NM_001330368.2); c.*38+3749T>C (NM_001351110.2); short protein forms K2515E.
Identifiers: ClinVar variation 524235 (VCV000524235.24), dbSNP rs1555124004, ClinGen allele CA382560691.